The following is an entry in ClinVar:

NM_004656.4(BAP1):c.2059A>G (p.Met687Val)

Gene: BAP1 (BRCA1 associated deubiquitinase 1; minus strand). Cytogenetic location: 3p21.1.
Variant type: single nucleotide variant.
Coding change: c.2059A>G on transcript NM_004656.4 (MANE Select); coding-DNA position 2059, A replaced by G.
Protein change: p.Met687Val; replaces methionine 687 with valine.
Molecular consequence: missense variant.
Genome position (GRCh38, 1-based): chr3:52,402,419, T>C on the plus strand (A>G on the coding strand, the complement: BAP1 is on the minus strand). VCF-style: chr3-52402419-T-C. GRCh37 (hg19) VCF-style: chr3-52436435-T-C.
Other names: c.2005A>G, p.Met669Val (NM_001410772.1); short protein forms M669V, M687V.
Identifiers: ClinVar variation 1981655 (VCV001981655.5), dbSNP rs1412006133, ClinGen allele CA353094574.

ClinVar aggregate classification (germline): Uncertain significance. Review status: criteria provided, multiple submitters, no conflicts (2 of 4 stars). 2 submissions from 2 submitters: Uncertain significance (2). Last evaluated 2024-10-29.

Conditions:
Hereditary cancer-predisposing syndrome. Also called: Tumor predisposition; Hereditary neoplastic syndrome; Neoplastic Syndromes, Hereditary; Hereditary Cancer Syndrome. Identifiers: Orphanet 140162, MedGen C0027672, MeSH D009386, MONDO:0015356.
BAP1-related tumor predisposition syndrome (TPDS1). Also called: Tumor susceptibility linked to germline BAP1 mutations; BAP1 tumor predisposition syndrome; COMMON Syndrome; TUMOR PREDISPOSITION SYNDROME 1. Identifiers: Orphanet 289539, MedGen C3280492, MONDO:0013692, OMIM 614327.

Allele frequency attached by ClinVar (database versions not stated): gnomAD exomes below 0.00001.

Submissions (2):

Ambry Genetics
Classification: Uncertain significance for Hereditary cancer-predisposing syndrome. Last evaluated: 2024-10-29. Review status: criteria provided, single submitter. Criteria: Ambry Variant Classification Scheme 2023. Collection method: clinical testing. Allele origin: germline.
Comment: The p.M687V variant (also known as c.2059A>G), located in coding exon 17 of the BAP1 gene, results from an A to G substitution at nucleotide position 2059. The methionine at codon 687 is replaced by valine, an amino acid with highly similar properties. This amino acid position is conserved. In addition, this alteration is predicted to be tolerated by in silico analysis. Based on the available evidence, the clinical significance of this variant remains unclear.

Labcorp Genetics (formerly Invitae), Labcorp
Classification: Uncertain significance for BAP1-related tumor predisposition syndrome. Last evaluated: 2022-08-09. Review status: criteria provided, single submitter. Criteria: Invitae Variant Classification Sherloc (09022015). Collection method: clinical testing. Allele origin: germline.
Comment: Algorithms developed to predict the effect of missense changes on protein structure and function are either unavailable or do not agree on the potential impact of this missense change (SIFT: "Tolerated"; PolyPhen-2: "Possibly Damaging"; Align-GVGD: "Class C0"). This variant has not been reported in the literature in individuals affected with BAP1-related conditions. This variant is present in population databases (no rsID available, gnomAD 0.008%). This sequence change replaces methionine, which is neutral and non-polar, with valine, which is neutral and non-polar, at codon 687 of the BAP1 protein (p.Met687Val). In summary, the available evidence is currently insufficient to determine the role of this variant in disease. Therefore, it has been classified as a Variant of Uncertain Significance.